The following is an entry in ClinVar:

NM_005591.4(MRE11):c.1784-5A>G

Gene: MRE11 (MRE11 double strand break repair nuclease; minus strand). Cytogenetic location: 11q21.
Variant type: single nucleotide variant.
Coding change: c.1784-5A>G on transcript NM_005591.4 (MANE Select); 5 bases into the intron before coding-DNA position 1784, A replaced by G.
Molecular consequence: intron variant.
Genome position (GRCh38, 1-based): chr11:94,445,898, T>C on the plus strand (A>G on the coding strand, the complement: MRE11 is on the minus strand). VCF-style: chr11-94445898-T-C. GRCh37 (hg19) VCF-style: chr11-94179064-T-C.
Other names: c.1784-8A>G (NM_001330347.2); c.1783+1321A>G (NM_005590.4).
Identifiers: ClinVar variation 141905 (VCV000141905.8), dbSNP rs587782099, ClinGen allele CA166752.

ClinVar aggregate classification (germline): Conflicting classifications of pathogenicity. Review status: criteria provided, conflicting classifications (1 of 4 stars). 2 submissions from 2 submitters: Uncertain significance (1); Likely benign (1). Last evaluated 2023-08-30.

Conditions:
Ataxia-telangiectasia-like disorder (ATLD). Identifiers: MedGen C1858391, MONDO:0011457.
Hereditary cancer-predisposing syndrome. Also called: Neoplastic Syndromes, Hereditary; Tumor predisposition; Hereditary Cancer Syndrome; Hereditary neoplastic syndrome. Identifiers: Orphanet 140162, MedGen C0027672, MeSH D009386, MONDO:0015356.

Allele frequency attached by ClinVar (database versions not stated): gnomAD exomes below 0.00001.
gnomAD v4.1: 2 of 1,609,816 alleles (0.00012%); highest among the groups gnomAD compares: Non-Finnish European, 0.00017%; no homozygotes.

Submissions (2):

Labcorp Genetics (formerly Invitae), Labcorp
Classification: Likely benign for Ataxia-telangiectasia-like disorder. Last evaluated: 2023-08-30. Review status: criteria provided, single submitter. Criteria: Invitae Variant Classification Sherloc (09022015). Collection method: clinical testing. Allele origin: germline.

Ambry Genetics
Classification: Uncertain significance for Hereditary cancer-predisposing syndrome. Last evaluated: 2020-05-18. Review status: criteria provided, single submitter. Criteria: Ambry Variant Classification Scheme 2023. Collection method: clinical testing. Allele origin: germline.
Comment: The c.1784-5A>G intronic variant results from an A to G substitution 5 nucleotides upstream from coding exon 15 in the MRE11A gene. This nucleotide position is not well conserved in available vertebrate species. Using the BDGP and ESEfinder splice site prediction tools, this alteration is not predicted to have any significant effect on this splice acceptor site; however, direct evidence is unavailable. Since supporting evidence is limited at this time, the clinical significance of this alteration remains unclear.